The following is an entry in ClinVar:

ClinVar aggregate classification (germline): Likely benign. Review status: criteria provided, multiple submitters, no conflicts (2 of 4 stars). 4 submissions from 4 submitters: Likely benign (4). Last evaluated 2026-05-01.

Allele frequency attached by ClinVar (database versions not stated): TOPMed 0.00006; gnomAD 0.00007 and 0.00009; ESP Exome Variant Server 0.00008; ExAC 0.00013; gnomAD exomes 0.00014.

Submissions (4):

CeGaT Center for Human Genetics Tuebingen
Classification: Likely benign. Last evaluated: 2026-05-01. Review status: criteria provided, single submitter. Criteria: CeGaT Center For Human Genetics Tuebingen Variant Classification Criteria Version 2. Collection method: clinical testing. Allele origin: germline. Affected: yes. Observed: 3 variant alleles.
Comment: BUB1: BP4, BP7

Labcorp Genetics (formerly Invitae), Labcorp
Classification: Likely benign. Last evaluated: 2025-11-11. Review status: criteria provided, single submitter. Criteria: Invitae Variant Classification Sherloc (09022015). Collection method: clinical testing. Allele origin: germline.

Ambry Genetics
Classification: Likely benign. Last evaluated: 2022-02-12. Review status: criteria provided, single submitter. Criteria: Ambry Variant Classification Scheme 2023. Collection method: clinical testing. Allele origin: germline.

Breakthrough Genomics
Classification: Likely benign. Review status: criteria provided, single submitter. Criteria: ACMG Guidelines, 2015. Collection method: not provided. Allele origin: germline. Inheritance: Autosomal dominant inheritance. Affected: yes.

NM_004336.5(BUB1):c.2481C>T (p.Asn827=)

Gene: BUB1 (BUB1 mitotic checkpoint serine/threonine kinase; minus strand). Cytogenetic location: 2q13.
Variant type: single nucleotide variant.
Coding change: c.2481C>T on transcript NM_004336.5 (MANE Select); coding-DNA position 2481, C replaced by T.
Protein change: p.Asn827=; no amino-acid change (asparagine 827 retained).
Molecular consequence: synonymous variant.
Genome position (GRCh38, 1-based): chr2:110,641,786, G>A on the plus strand (C>T on the coding strand, the complement: BUB1 is on the minus strand). VCF-style: chr2-110641786-G-A. GRCh37 (hg19) VCF-style: chr2-111399363-G-A.
Other names: c.2421C>T, p.Asn807= (NM_001278616.2); c.2481C>T, p.Asn827= (NM_001278617.2).
Identifiers: ClinVar variation 723947 (VCV000723947.10), dbSNP rs141293590, ClinGen allele CA1827767.